The following is an entry in ClinVar:

NM_003482.4(KMT2D):c.15973C>T (p.Pro5325Ser)

Gene: KMT2D (lysine methyltransferase 2D; minus strand). Cytogenetic location: 12q13.12.
Variant type: single nucleotide variant.
Coding change: c.15973C>T on transcript NM_003482.4 (MANE Select); coding-DNA position 15973, C replaced by T.
Protein change: p.Pro5325Ser; replaces proline 5325 with serine.
Molecular consequence: missense variant.
Genome position (GRCh38, 1-based): chr12:49,024,657, G>A on the plus strand (C>T on the coding strand, the complement: KMT2D is on the minus strand). VCF-style: chr12-49024657-G-A. GRCh37 (hg19) VCF-style: chr12-49418440-G-A.
Other names: short protein forms P5325S.
Identifiers: ClinVar variation 4801175 (VCV004801175.1).
Genomic context (GRCh38, chr12:49,024,657, plus strand): 5'-TTTTAGGCTCTGATCGGGCACAGCCAGTGGGGTTGATCATGAGTGGCAGCTCCATAAGGG[G>A]GTGGCGCCCATAGCGGAATAAATAGTTTTGACAGCTCTCCACCCCGGGCAGCTGTGGGCA-3'
Protein context (NP_003473.3, residues 5315-5335): QNYLFRYGRH[Pro5325Ser]LMELPLMINP

ClinVar aggregate classification (germline): Uncertain significance (1 of 4 stars; one submission).

Conditions:
Kabuki syndrome. Also called: NIIKAWA-KUROKI SYNDROME; Kabuki make-up syndrome. Identifiers: Orphanet 2322, MedGen C0796004, MONDO:0016512.

Submission:

Labcorp Genetics (formerly Invitae), Labcorp
Classification: Uncertain significance for Kabuki syndrome. Last evaluated: 2025-02-03. Review status: criteria provided, single submitter. Criteria: Invitae Variant Classification Sherloc (09022015). Collection method: clinical testing. Allele origin: germline.
Comment: This sequence change replaces proline, which is neutral and non-polar, with serine, which is neutral and polar, at codon 5325 of the KMT2D protein (p.Pro5325Ser). This variant is not present in population databases (gnomAD no frequency). This variant has not been reported in the literature in individuals affected with KMT2D-related conditions. Invitae Evidence Modeling of protein sequence and biophysical properties (such as structural, functional, and spatial information, amino acid conservation, physicochemical variation, residue mobility, and thermodynamic stability) has been performed for this missense variant. However, the output from this modeling did not meet the statistical confidence thresholds required to predict the impact of this variant on KMT2D protein function. In summary, the available evidence is currently insufficient to determine the role of this variant in disease. Therefore, it has been classified as a Variant of Uncertain Significance.